The following is an entry in ClinVar:

ClinVar aggregate classification (germline): Uncertain significance (1 of 4 stars; one submission).

Conditions:
Epidermolysis bullosa simplex with nail dystrophy (EBS5D). Identifiers: MedGen C4225309, MONDO:0014661, OMIM 616487.
Epidermolysis bullosa simplex, Ogna type (EBS5A). Also called: EPIDERMOLYSIS BULLOSA SIMPLEX 5A, OGNA TYPE; Pidermolysis bullosa simplex 5A, Ogna type. Identifiers: Orphanet 79401, MedGen C0432317, MONDO:0007555, OMIM 131950.
Autosomal recessive limb-girdle muscular dystrophy type 2Q (LGMDR17). Also called: MUSCULAR DYSTROPHY, LIMB-GIRDLE, AUTOSOMAL RECESSIVE 17. Identifiers: Orphanet 254361, MedGen C3150989, MONDO:0013390, OMIM 613723.
Epidermolysis bullosa simplex 5B, with muscular dystrophy (EBS5B). Also called: EPIDERMOLYSIS BULLOSA SIMPLEX AND LIMB-GIRDLE MUSCULAR DYSTROPHY; Epidermolysis bullosa simplex with muscular dystrophy. Identifiers: Orphanet 257, MedGen C2931072, MONDO:0009181, OMIM 226670.
Epidermolysis bullosa simplex 5C, with pyloric atresia (EBS5C). Also called: PLEC1-Related Epidermolysis Bullosa with Pyloric Atresia; PLEC-Related Epidermolysis Bullosa with Pyloric Atresia; Epidermolysis bullosa simplex with pyloric atresia. Identifiers: Orphanet 158684, MedGen C2677349, MONDO:0012807, OMIM 612138.

Submission:

Labcorp Genetics (formerly Invitae), Labcorp
Classification: Uncertain significance for Autosomal recessive limb-girdle muscular dystrophy type 2Q; Epidermolysis bullosa simplex, Ogna type; Epidermolysis bullosa simplex with nail dystrophy; Epidermolysis bullosa simplex 5C, with pyloric atresia; Epidermolysis bullosa simplex 5B, with muscular dystrophy. Last evaluated: 2024-05-04. Review status: criteria provided, single submitter. Criteria: Invitae Variant Classification Sherloc (09022015). Collection method: clinical testing. Allele origin: germline.
Comment: This sequence change replaces arginine, which is basic and polar, with glycine, which is neutral and non-polar, at codon 2534 of the PLEC protein (p.Arg2534Gly). This variant is not present in population databases (gnomAD no frequency). This variant has not been reported in the literature in individuals affected with PLEC-related conditions. Advanced modeling of protein sequence and biophysical properties (such as structural, functional, and spatial information, amino acid conservation, physicochemical variation, residue mobility, and thermodynamic stability) performed at Invitae indicates that this missense variant is not expected to disrupt PLEC protein function with a negative predictive value of 80%. In summary, the available evidence is currently insufficient to determine the role of this variant in disease. Therefore, it has been classified as a Variant of Uncertain Significance.

NM_201384.3(PLEC):c.7519C>G (p.Arg2507Gly)

Gene: PLEC (plectin; minus strand). Cytogenetic location: 8q24.3.
Variant type: single nucleotide variant.
Coding change: c.7519C>G on transcript NM_201384.3 (MANE Select); coding-DNA position 7519, C replaced by G.
Protein change: p.Arg2507Gly; replaces arginine 2507 with glycine.
Molecular consequence: missense variant.
Genome position (GRCh38, 1-based): chr8:143,922,302, G>C on the plus strand (C>G on the coding strand, the complement: PLEC is on the minus strand). VCF-style: chr8-143922302-G-C. GRCh37 (hg19) VCF-style: chr8-144996470-G-C.
Other names: c.7600C>G, p.Arg2534Gly (NM_000445.5); c.4219C>G, p.Arg1407Gly (NM_001410941.1); c.7477C>G, p.Arg2493Gly (NM_201378.4); c.7453C>G, p.Arg2485Gly (NM_201379.3); c.7930C>G, p.Arg2644Gly (NM_201380.4); c.7423C>G, p.Arg2475Gly (NM_201381.3); c.7519C>G, p.Arg2507Gly (NM_201382.4); c.7531C>G, p.Arg2511Gly (NM_201383.3); short protein forms R1407G, R2475G, R2485G, R2493G, R2507G, R2511G, R2534G, R2644G.
Identifiers: ClinVar variation 3761535 (VCV003761535.2).